The following is an entry in ClinVar:

ClinVar aggregate classification (germline): Likely benign (1 of 4 stars; one submission).

Submission:

CeGaT Center for Human Genetics Tuebingen
Classification: Likely benign. Last evaluated: 2025-08-01. Review status: criteria provided, single submitter. Criteria: CeGaT Center For Human Genetics Tuebingen Variant Classification Criteria Version 2. Collection method: clinical testing. Allele origin: germline. Affected: yes. Observed: 1 variant allele.
Comment: RNF216: PM2:Supporting, BP4, BP7

NM_207111.4(RNF216):c.18C>T (p.Asn6=)

Gene: RNF216 (ring finger protein 216; minus strand). Cytogenetic location: 7p22.1.
Variant type: single nucleotide variant.
Coding change: c.18C>T on transcript NM_207111.4 (MANE Select); coding-DNA position 18, C replaced by T.
Protein change: p.Asn6=; no amino-acid change (asparagine 6 retained).
Molecular consequence: synonymous variant.
Genome position (GRCh38, 1-based): chr7:5,761,052, G>A on the plus strand (C>T on the coding strand, the complement: RNF216 is on the minus strand). VCF-style: chr7-5761052-G-A. GRCh37 (hg19) VCF-style: chr7-5800683-G-A.
Other names: c.18C>T, p.Asn6= (NM_001377156.1, NM_207116.3).
Identifiers: ClinVar variation 4085842 (VCV004085842.8).